The following is an entry in ClinVar:

NM_080680.3(COL11A2):c.1777G>A (p.Asp593Asn)

Gene: COL11A2 (collagen type XI alpha 2 chain; minus strand). Cytogenetic location: 6p21.32.
Variant type: single nucleotide variant.
Coding change: c.1777G>A on transcript NM_080680.3 (MANE Select); coding-DNA position 1777, G replaced by A.
Protein change: p.Asp593Asn; replaces aspartic acid 593 with asparagine.
Molecular consequence: missense variant.
Genome position (GRCh38, 1-based): chr6:33,178,349, C>T on the plus strand (G>A on the coding strand, the complement: COL11A2 is on the minus strand). VCF-style: chr6-33178349-C-T. GRCh37 (hg19) VCF-style: chr6-33146126-C-T.
Other names: c.1456G>A, p.Asp486Asn (NM_080679.3); c.1519G>A, p.Asp507Asn (NM_080681.3); short protein forms D593N, D486N, D507N.
Identifiers: ClinVar variation 1395688 (VCV001395688.6), dbSNP rs2150576059, ClinGen allele CA363657534.

ClinVar aggregate classification (germline): Uncertain significance (1 of 4 stars; one submission).

Submission:

Labcorp Genetics (formerly Invitae), Labcorp
Classification: Uncertain significance. Last evaluated: 2022-03-09. Review status: criteria provided, single submitter. Criteria: Invitae Variant Classification Sherloc (09022015). Collection method: clinical testing. Allele origin: germline.
Comment: This sequence change replaces aspartic acid, which is acidic and polar, with asparagine, which is neutral and polar, at codon 593 of the COL11A2 protein (p.Asp593Asn). This variant is not present in population databases (gnomAD no frequency). This variant has not been reported in the literature in individuals affected with COL11A2-related conditions. Advanced modeling of protein sequence and biophysical properties (such as structural, functional, and spatial information, amino acid conservation, physicochemical variation, residue mobility, and thermodynamic stability) performed at Invitae indicates that this missense variant is not expected to disrupt COL11A2 protein function. In summary, the available evidence is currently insufficient to determine the role of this variant in disease. Therefore, it has been classified as a Variant of Uncertain Significance.